The following is an entry in ClinVar:

NM_001129820.2(SLFN14):c.687del (p.His230fs)

Gene: SLFN14 (schlafen family member 14; minus strand). Cytogenetic location: 17q12.
Variant type: Deletion.
Coding change: c.687del on transcript NM_001129820.2 (MANE Select); coding-DNA position 687, one base deleted (T; older notation c.687delT).
Protein change: p.His230fs; shifts the reading frame from histidine 230.
Molecular consequence: frameshift variant.
Genome position (GRCh38, 1-based): chr17:35,557,376, A deleted on the plus strand (T on the coding strand, the reverse complement: SLFN14 is on the minus strand). VCF-style (leftmost placement, unchanged base first): chr17-35557375-GA-G. GRCh37 (hg19) VCF-style: chr17-33884394-GA-G.
Other names: short protein forms H230fs.
Identifiers: ClinVar variation 3778834 (VCV003778834.1).

ClinVar aggregate classification (germline): Uncertain significance (1 of 4 stars; one submission).

Conditions:
Platelet-type bleeding disorder 20 (BDPLT20). Identifiers: Orphanet 466806, MedGen C4310797, MONDO:0014830, OMIM 616913.

Submission:

Clinical Genomics Laboratory, Stanford Medicine
Classification: Uncertain significance for Platelet-type bleeding disorder 20. Last evaluated: 2022-04-04. Review status: criteria provided, single submitter. Criteria: ACMG Guidelines, 2015. Collection method: clinical testing. Allele origin: paternal. Observed: 2 variant alleles, 2 heterozygotes. Clinical features observed: Anhydramnios, intrauterine growth restriction, coagulopathy, thrombocytopenia.
Comment: The p.His230Ilefs*33 variant in the SLFN14 gene has not been previously reported in association with disease. This variant was absent from large population databases, including the Genome Aggregation Database. This variant results in a 1 bp deletion in exon 1 of 4 exons, which causes a shift in the protein reading frame, leading to a premature termination codon 33 amino acids downstream. This variant is expected to result in an absent or truncated protein product; however, heterozygous loss-of-function is not currently an established disease mechanism for the SLFN14 gene. These data were assessed using the ACMG/AMP variant interpretation guidelines. In summary, the significance of the p.His230Ilefs*33 variant is uncertain. Additional information is needed to resolve the significance of this variant. [ACMG evidence codes used: PM2]